The following is an entry in ClinVar:

ClinVar aggregate classification (germline): Conflicting classifications of pathogenicity. Review status: criteria provided, conflicting classifications (1 of 4 stars). 4 submissions from 4 submitters: Likely pathogenic (1); Uncertain significance (3). Last evaluated 2025-09-19.

Conditions:
Marfan syndrome (MFS). Also called: MARFAN SYNDROME, TYPE I; Marfan syndrome type 1; Marfan's syndrome; Marfan syndrome, classic; FBN1-Related Marfan Syndrome. Identifiers: Orphanet 284963, Orphanet 558, MedGen C0024796, MONDO:0007947, OMIM 154700.
Familial thoracic aortic aneurysm and aortic dissection (TAAD). Also called: Thoracic aortic aneurysms and dissections. Identifiers: Orphanet 91387, MedGen C4707243, MONDO:0019625.

Allele frequency attached by ClinVar (database versions not stated): gnomAD exomes below 0.00001.
gnomAD v4.1: 1 of 1,613,978 alleles (0.000062%); highest among the groups gnomAD compares: Non-Finnish European, 0.000085%; no homozygotes.

Submissions (4):

Ambry Genetics
Classification: Uncertain significance for Familial thoracic aortic aneurysm and aortic dissection. Last evaluated: 2025-09-19. Review status: criteria provided, single submitter. Criteria: Ambry Variant Classification Scheme 2023. Collection method: clinical testing. Allele origin: germline.
Comment: The p.R2311C variant (also known as c.6931C>T), located in coding exon 56 of the FBN1 gene, results from a C to T substitution at nucleotide position 6931. The arginine at codon 2311 is replaced by cysteine, an amino acid with highly dissimilar properties. This variant was reported in individual(s) with features consistent with thoracic aortic aneurysm (Ambry internal data). The majority of FBN1 mutations identified to date have involved the substitution or generation of cysteine residues within cbEGF domains (Vollbrandt T et al. J Biol Chem. 2004;279(31):32924-32931). This amino acid position is poorly conserved in available vertebrate species. In addition, the in silico prediction for this alteration is inconclusive. Based on the available evidence, the clinical significance of this variant remains unclear.

GeneDx
Classification: Likely pathogenic. Last evaluated: 2025-07-28. Review status: criteria provided, single submitter. Criteria: GeneDx Variant Classification Process June 2021. Collection method: clinical testing. Allele origin: germline. Affected: yes.
Comment: Introduces a new cysteine residue within an EGF-like domain of the FBN1 gene, which may affect disulfide bonding and is predicted to alter the structure and function of the protein; cysteine substitutions in the EGF-like domains represent the majority of pathogenic missense changes associated with FBN1-related disorders (PMID: 12938084); Not observed at significant frequency in large population cohorts (gnomAD); In silico analysis suggests that this missense variant does not alter protein structure/function; Has not been previously published as pathogenic or benign to our knowledge; This variant is associated with the following publications: (PMID: 12938084)

Labcorp Genetics (formerly Invitae), Labcorp
Classification: Uncertain significance for Marfan syndrome; Familial thoracic aortic aneurysm and aortic dissection. Last evaluated: 2024-11-30. Review status: criteria provided, single submitter. Criteria: Invitae Variant Classification Sherloc (09022015). Collection method: clinical testing. Allele origin: germline.
Comment: This sequence change replaces arginine, which is basic and polar, with cysteine, which is neutral and slightly polar, at codon 2311 of the FBN1 protein (p.Arg2311Cys). This variant is not present in population databases (gnomAD no frequency). This variant has not been reported in the literature in individuals affected with FBN1-related conditions. ClinVar contains an entry for this variant (Variation ID: 3075000). Invitae Evidence Modeling of protein sequence and biophysical properties (such as structural, functional, and spatial information, amino acid conservation, physicochemical variation, residue mobility, and thermodynamic stability) has been performed for this missense variant. However, the output from this modeling did not meet the statistical confidence thresholds required to predict the impact of this variant on FBN1 protein function. In summary, the available evidence is currently insufficient to determine the role of this variant in disease. Therefore, it has been classified as a Variant of Uncertain Significance.

All of Us Research Program, National Institutes of Health
Classification: Uncertain significance for Marfan syndrome. Last evaluated: 2024-01-11. Review status: criteria provided, single submitter. Criteria: ACMG Guidelines, 2015. Collection method: clinical testing. Allele origin: germline. Inheritance: Autosomal dominant inheritance. Observed: 1 variant allele, 1 heterozygote.
Comment: This study involves interpretation of variants in research participants for the purpose of population health screening. Participant phenotype was not available at the time of variant classification. Additional details can be found in publication PMID: 35346344, PMCID: PMC8962531

NM_000138.5(FBN1):c.6931C>T (p.Arg2311Cys)

Gene: FBN1 (fibrillin 1; minus strand). Cytogenetic location: 15q21.1.
Variant type: single nucleotide variant.
Coding change: c.6931C>T on transcript NM_000138.5 (MANE Select); coding-DNA position 6931, C replaced by T.
Protein change: p.Arg2311Cys; replaces arginine 2311 with cysteine.
Molecular consequence: missense variant.
Genome position (GRCh38, 1-based): chr15:48,428,412, G>A on the plus strand (C>T on the coding strand, the complement: FBN1 is on the minus strand). VCF-style: chr15-48428412-G-A. GRCh37 (hg19) VCF-style: chr15-48720609-G-A.
Other names: c.6931C>T, p.Arg2311Cys (NM_001406716.1); short protein forms R2311C.
Identifiers: ClinVar variation 3075000 (VCV003075000.5), dbSNP rs2505415219, ClinGen allele CA392330689.